The following is an entry in ClinVar:

NM_001130144.3(LTBP3):c.1331C>T (p.Pro444Leu)

Gene: LTBP3 (latent transforming growth factor beta binding protein 3; minus strand). Cytogenetic location: 11q13.1.
Variant type: single nucleotide variant.
Coding change: c.1331C>T on transcript NM_001130144.3 (MANE Select); coding-DNA position 1331, C replaced by T.
Protein change: p.Pro444Leu; replaces proline 444 with leucine.
Molecular consequence: missense variant.
Genome position (GRCh38, 1-based): chr11:65,552,262, G>A on the plus strand (C>T on the coding strand, the complement: LTBP3 is on the minus strand). VCF-style: chr11-65552262-G-A. GRCh37 (hg19) VCF-style: chr11-65319733-G-A.
Other names: c.980C>T, p.Pro327Leu (NM_001164266.1); c.1331C>T, p.Pro444Leu (NM_021070.4); short protein forms P327L, P444L.
Identifiers: ClinVar variation 3689380 (VCV003689380.2).

ClinVar aggregate classification (germline): Uncertain significance (1 of 4 stars; one submission).

Conditions:
Brachyolmia-amelogenesis imperfecta syndrome. Also called: Tooth agenesis, selective, 6; Dental anomalies and short stature; PLATYSPONDYLY WITH AMELOGENESIS IMPERFECTA. Identifiers: Orphanet 2899, MedGen C1832594, MONDO:0011018, OMIM 601216. Disease mechanism: loss of function.

Submission:

Labcorp Genetics (formerly Invitae), Labcorp
Classification: Uncertain significance for Brachyolmia-amelogenesis imperfecta syndrome. Last evaluated: 2024-02-20. Review status: criteria provided, single submitter. Criteria: Invitae Variant Classification Sherloc (09022015). Collection method: clinical testing. Allele origin: germline.
Comment: This sequence change replaces proline, which is neutral and non-polar, with leucine, which is neutral and non-polar, at codon 444 of the LTBP3 protein (p.Pro444Leu). This variant is not present in population databases (gnomAD no frequency). This variant has not been reported in the literature in individuals affected with LTBP3-related conditions. An algorithm developed to predict the effect of missense changes on protein structure and function (PolyPhen-2) suggests that this variant is likely to be disruptive. In summary, the available evidence is currently insufficient to determine the role of this variant in disease. Therefore, it has been classified as a Variant of Uncertain Significance.